The following is an entry in ClinVar:

NM_000179.3(MSH6):c.2439G>T (p.Lys813Asn)

Gene: MSH6 (mutS homolog 6; plus strand). Cytogenetic location: 2p16.3.
Variant type: single nucleotide variant.
Coding change: c.2439G>T on transcript NM_000179.3 (MANE Select); coding-DNA position 2439, G replaced by T.
Protein change: p.Lys813Asn; replaces lysine 813 with asparagine.
Molecular consequence: missense variant.
Genome position (GRCh38, 1-based): chr2:47,800,422, G>T. VCF-style: chr2-47800422-G-T. GRCh37 (hg19) VCF-style: chr2-48027561-G-T.
Other names: c.2049G>T, p.Lys683Asn (NM_001281492.2); c.1533G>T, p.Lys511Asn (NM_001281493.2, NM_001281494.2); c.2439G>T (NM_000179.2); short protein forms K511N, K813N, K683N.
Identifiers: ClinVar variation 1501691 (VCV001501691.8), dbSNP rs2104406926, ClinGen allele CA346754047.

ClinVar aggregate classification (germline): Uncertain significance. Review status: criteria provided, multiple submitters, no conflicts (2 of 4 stars). 2 submissions from 2 submitters: Uncertain significance (2). Last evaluated 2024-03-07.

Conditions:
Hereditary nonpolyposis colorectal neoplasms. Identifiers: MedGen C0009405, MeSH D003123.
Hereditary cancer-predisposing syndrome. Also called: Hereditary neoplastic syndrome; Tumor predisposition; Neoplastic Syndromes, Hereditary; Hereditary Cancer Syndrome. Identifiers: Orphanet 140162, MedGen C0027672, MeSH D009386, MONDO:0015356.

Submissions (2):

Labcorp Genetics (formerly Invitae), Labcorp
Classification: Uncertain significance for Hereditary nonpolyposis colorectal neoplasms. Last evaluated: 2024-03-07. Review status: criteria provided, single submitter. Criteria: Invitae Variant Classification Sherloc (09022015). Collection method: clinical testing. Allele origin: germline.
Comment: This sequence change replaces lysine, which is basic and polar, with asparagine, which is neutral and polar, at codon 813 of the MSH6 protein (p.Lys813Asn). This variant is not present in population databases (gnomAD no frequency). This variant has not been reported in the literature in individuals affected with MSH6-related conditions. ClinVar contains an entry for this variant (Variation ID: 1501691). Advanced modeling of protein sequence and biophysical properties (such as structural, functional, and spatial information, amino acid conservation, physicochemical variation, residue mobility, and thermodynamic stability) performed at Invitae indicates that this missense variant is not expected to disrupt MSH6 protein function with a negative predictive value of 95%. In summary, the available evidence is currently insufficient to determine the role of this variant in disease. Therefore, it has been classified as a Variant of Uncertain Significance.

Ambry Genetics
Classification: Uncertain significance for Hereditary cancer-predisposing syndrome. Last evaluated: 2023-01-17. Review status: criteria provided, single submitter. Criteria: Ambry Variant Classification Scheme 2023. Collection method: clinical testing. Allele origin: germline.
Comment: The p.K813N variant (also known as c.2439G>T), located in coding exon 4 of the MSH6 gene, results from a G to T substitution at nucleotide position 2439. The lysine at codon 813 is replaced by asparagine, an amino acid with similar properties. This amino acid position is conserved. In addition, the in silico prediction for this alteration is inconclusive. Since supporting evidence is limited at this time, the clinical significance of this alteration remains unclear.